The following is an entry in ClinVar:

ClinVar aggregate classification (germline): Conflicting classifications of pathogenicity. Review status: criteria provided, conflicting classifications (1 of 4 stars). 2 submissions from 2 submitters: Uncertain significance (1); Likely benign (1). Last evaluated 2025-09-03.

Conditions:
Hereditary cancer-predisposing syndrome. Also called: Neoplastic Syndromes, Hereditary; Hereditary Cancer Syndrome; Hereditary neoplastic syndrome; Tumor predisposition. Identifiers: Orphanet 140162, MedGen C0027672, MeSH D009386, MONDO:0015356.
Hereditary breast ovarian cancer syndrome. Also called: Hereditary breast and/or ovarian cancer syndrome; Breast and ovarian cancer; BRCA1- and BRCA2-Associated Hereditary Breast and Ovarian Cancer; Hereditary breast and ovarian cancer syndrome; Hereditary breast and ovarian cancer syndrome (HBOC); Hereditary breast and ovarian cancer. Identifiers: Orphanet 145, MedGen C0677776, MeSH D061325, MONDO:0003582. Disease mechanism: loss of function.

Submissions (2):

Labcorp Genetics (formerly Invitae), Labcorp
Classification: Likely benign for Hereditary breast ovarian cancer syndrome. Last evaluated: 2025-09-03. Review status: criteria provided, single submitter. Criteria: Invitae Variant Classification Sherloc (09022015). Collection method: clinical testing. Allele origin: germline.

Color Diagnostics, LLC DBA Color Health
Classification: Uncertain significance for Hereditary cancer-predisposing syndrome. Last evaluated: 2022-08-09. Review status: criteria provided, single submitter. Criteria: ACMG Guidelines, 2015. Collection method: clinical testing. Allele origin: germline.
Comment: This variant deletes two nucleotides in intron 18 near the splice acceptor site of the BRCA1 gene. To our knowledge, functional studies have not been reported for this variant. This variant has not been reported in individuals affected with hereditary cancer in the literature. This variant has been identified in 1/251488 chromosomes in the general population by the Genome Aggregation Database (gnomAD). The available evidence is insufficient to determine the role of this variant in disease conclusively. Therefore, this variant is classified as a Variant of Uncertain Significance.

NM_007294.4(BRCA1):c.5194-16_5194-15del

Gene: BRCA1 (BRCA1 DNA repair associated; minus strand). Cytogenetic location: 17q21.31.
Variant type: Microsatellite.
Coding change: c.5194-16_5194-15del on transcript NM_007294.4 (MANE Select); 16 bases into the intron before coding-DNA position 5194 through 15 bases into the intron before coding-DNA position 5194, 2 bases deleted (GT; older notation c.5194-16_5194-15delGT).
Molecular consequence: intron variant.
Genome position (GRCh38, 1-based): chr17:43,057,150-43,057,151, AC deleted on the plus strand (GT on the coding strand, the reverse complement: BRCA1 is on the minus strand); deleting any 2 consecutive bases within chr17:43,057,150-43,057,154 gives the same sequence; the c. name uses the placement nearest the transcript's 3' end. VCF-style (leftmost placement, unchanged base first): chr17-43057149-AAC-A. GRCh37 (hg19) VCF-style: chr17-41209166-AAC-A.
Other names: c.5194-16_5194-15del (NM_001407596.1, NM_001407602.1, NM_001407603.1 and 7 more transcripts); c.4306-16_4306-15del (NM_001407966.1); c.4807-16_4807-15del (NM_001407963.1); c.1501-16_1501-15del (NM_001408511.1); c.1744-16_1744-15del (NM_001408457.1, NM_001408454.1, NM_001408453.1 and 3 more transcripts); c.5053-16_5053-15del (NM_001407692.1, NM_001407729.1, NM_001407698.1 and 13 more transcripts); c.4810-16_4810-15del (NM_001407960.1, NM_001407962.1); c.1615-16_1615-15del (NM_001408505.1); and 72 more.
Identifiers: ClinVar variation 1058977 (VCV001058977.10), dbSNP rs1360158770, ClinGen allele CA626078998.